The following is an entry in ClinVar:

ClinVar aggregate classification (germline): Uncertain significance (1 of 4 stars; one submission).

Conditions:
Progressive myoclonic epilepsy type 3. Also called: EPILEPSY, PROGRESSIVE MYOCLONIC, 3, WITH OR WITHOUT INTRACELLULAR INCLUSIONS; CEROID LIPOFUSCINOSIS, NEURONAL, 14; EPILEPSY, PROGRESSIVE MYOCLONIC, 3, WITHOUT INTRACELLULAR INCLUSIONS; KCTD7-Related Progressive Myoclonic Epilepsy. Identifiers: Orphanet 263516, MedGen C2673257, MONDO:0012721, OMIM 611726.

Submission:

Labcorp Genetics (formerly Invitae), Labcorp
Classification: Uncertain significance for Progressive myoclonic epilepsy type 3. Last evaluated: 2023-07-07. Review status: criteria provided, single submitter. Criteria: Invitae Variant Classification Sherloc (09022015). Collection method: clinical testing. Allele origin: germline.
Comment: This variant results in a copy number gain of the genomic region encompassing exon(s) 1 of the KCTD7 gene. This region includes the initiator codon of the gene. This copy number gain extends beyond the assayed region for this gene and therefore may encompass additional genes. As the precise location of this event is unknown, it may be in tandem or it may be located elsewhere in the genome. This variant has not been reported in the literature in individuals affected with KCTD7-related conditions. In summary, the available evidence is currently insufficient to determine the role of this variant in disease. Therefore, it has been classified as a Variant of Uncertain Significance.

NC_000007.13:g.(?_66094052)_(66094215_?)dup

Gene: KCTD7 (potassium channel tetramerization domain containing 7; plus strand). Cytogenetic location: 7q11.21.
Variant type: Duplication.
Identifiers: ClinVar variation 2427426 (VCV002427426.4).